The following is an entry in ClinVar:

ClinVar aggregate classification (germline): Uncertain significance (1 of 4 stars; one submission).

Conditions:
Atypical hemolytic-uremic syndrome. Identifiers: Orphanet 2134, MedGen C2931788, MONDO:0016244.

Submission:

Genomenon, Inc
Classification: Uncertain significance for Atypical hemolytic-uremic syndrome. Last evaluated: 2025-09-26. Review status: criteria provided, single submitter. Criteria: Genomenon Sequence Variant Interpretation Standards - Updated. Collection method: curation. Allele origin: germline. Affected: yes.
Comment: CFB p.Asp133Asn (c.397G>A) is a missense variant that changes the amino acid at residue 133 from Aspartic acid to Asparagine. This variant has been observed in at least one proband affected with atypical hemolytic-uremic syndrome (PMID:28056875). It is absent or not present at a significant frequency in gnomAD. In silico models agree that this variant is not damaging. In conclusion, we classify CFB p.Asp133Asn (c.397G>A) as a variant of uncertain significance.

Literature cited by the submitters: PubMed 28056875.

NM_001710.6(CFB):c.397G>A (p.Asp133Asn)

Gene: CFB (complement factor B; plus strand). Cytogenetic location: 6p21.33.
Variant type: single nucleotide variant.
Coding change: c.397G>A on transcript NM_001710.6 (MANE Select); coding-DNA position 397, G replaced by A.
Protein change: p.Asp133Asn; replaces aspartic acid 133 with asparagine.
Molecular consequence: missense variant.
Genome position (GRCh38, 1-based): chr6:31,947,105, G>A. VCF-style: chr6-31947105-G-A. GRCh37 (hg19) VCF-style: chr6-31914882-G-A.
Other names: short protein forms D133N.
Identifiers: ClinVar variation 4280395 (VCV004280395.1).